The following is an entry in ClinVar:

ClinVar aggregate classification (germline): Uncertain significance (1 of 4 stars; one submission).

Conditions:
Fanconi anemia (FA). Also called: Fanconi's anemia. Identifiers: Orphanet 84, MedGen C0015625, MeSH D005199, MONDO:0019391.

Submission:

Labcorp Genetics (formerly Invitae), Labcorp
Classification: Uncertain significance for Fanconi anemia. Last evaluated: 2023-12-31. Review status: criteria provided, single submitter. Criteria: Invitae Variant Classification Sherloc (09022015). Collection method: clinical testing. Allele origin: germline.
Comment: This sequence change replaces glycine, which is neutral and non-polar, with serine, which is neutral and polar, at codon 607 of the FANCB protein (p.Gly607Ser). This variant is not present in population databases (gnomAD no frequency). This variant has not been reported in the literature in individuals affected with FANCB-related conditions. Advanced modeling of protein sequence and biophysical properties (such as structural, functional, and spatial information, amino acid conservation, physicochemical variation, residue mobility, and thermodynamic stability) performed at Invitae indicates that this missense variant is not expected to disrupt FANCB protein function with a negative predictive value of 80%. In summary, the available evidence is currently insufficient to determine the role of this variant in disease. Therefore, it has been classified as a Variant of Uncertain Significance.

NM_001018113.3(FANCB):c.1819G>A (p.Gly607Ser)

Gene: FANCB (FA complementation group B; minus strand). Cytogenetic location: Xp22.2.
Variant type: single nucleotide variant.
Coding change: c.1819G>A on transcript NM_001018113.3 (MANE Select); coding-DNA position 1819, G replaced by A.
Protein change: p.Gly607Ser; replaces glycine 607 with serine.
Molecular consequence: missense variant.
Genome position (GRCh38, 1-based): chrX:14,844,964, C>T on the plus strand (G>A on the coding strand, the complement: FANCB is on the minus strand). VCF-style: chrX-14844964-C-T. GRCh37 (hg19) VCF-style: chrX-14863086-C-T.
Other names: c.1819G>A, p.Gly607Ser (NM_001324162.2, NM_001410764.1, NM_152633.4); short protein forms G607S.
Identifiers: ClinVar variation 2802745 (VCV002802745.3), dbSNP rs2518952832, ClinGen allele CA412439555.
Genomic context (GRCh38, chrX:14,844,964, plus strand): 5'-GATCTTCTAGACTTAAAAAAACTCTGCCACACACAACATAACGATCTTTAGGACAGTTAC[C>T]ACTTTCTCTCTCCATAATTTGTAGCAGTACAGTGCAACAAAATTTACTGAATGTTAAAAG-3'
Protein context (NP_001018123.1, residues 597-617): VLLQIMERES[Gly607Ser]NCPKDRYVVC